The following is an entry in ClinVar:

ClinVar aggregate classification (germline): Pathogenic (1 of 4 stars; one submission).

Conditions:
Hereditary cancer-predisposing syndrome. Also called: Neoplastic Syndromes, Hereditary; Tumor predisposition; Hereditary Cancer Syndrome; Hereditary neoplastic syndrome. Identifiers: Orphanet 140162, MedGen C0027672, MeSH D009386, MONDO:0015356.

Submission:

Ambry Genetics
Classification: Pathogenic for Hereditary cancer-predisposing syndrome. Last evaluated: 2024-08-30. Review status: criteria provided, single submitter. Criteria: Ambry Variant Classification Scheme 2023. Collection method: clinical testing. Allele origin: germline.
Comment: The p.E625* pathogenic mutation (also known as c.1873G>T), located in coding exon 5 of the PALB2 gene, results from a G to T substitution at nucleotide position 1873. This changes the amino acid from a glutamic acid to a stop codon within coding exon 5. This variant is considered to be rare based on population cohorts in the Genome Aggregation Database (gnomAD). This alteration is expected to result in loss of function by premature protein truncation or nonsense-mediated mRNA decay. As such, this alteration is interpreted as a disease-causing mutation.

NM_024675.4(PALB2):c.1873G>T (p.Glu625Ter)

Gene: PALB2 (partner and localizer of BRCA2; minus strand). Cytogenetic location: 16p12.2.
Variant type: single nucleotide variant.
Coding change: c.1873G>T on transcript NM_024675.4 (MANE Select); coding-DNA position 1873, G replaced by T.
Protein change: p.Glu625Ter; replaces glutamic acid 625 with a stop codon.
Molecular consequence: nonsense. On other transcripts: intron variant (1).
Genome position (GRCh38, 1-based): chr16:23,630,281, C>A on the plus strand (G>T on the coding strand, the complement: PALB2 is on the minus strand). VCF-style: chr16-23630281-C-A. GRCh37 (hg19) VCF-style: chr16-23641602-C-A.
Other names: c.1813G>T, p.Glu605Ter (NM_001407296.1); c.1873G>T, p.Glu625Ter (NM_001407297.1, NM_001407298.1, NM_001407299.1 and 3 more transcripts); c.988G>T, p.Glu330Ter (NM_001407304.1, NM_001407305.1, NM_001407306.1 and 5 more transcripts); c.85G>T, p.Glu29Ter (NM_001407312.1, NM_001407313.1); c.49-1006G>T (NM_001407314.1); short protein forms E330*, E29*, E605*, E625*.
Identifiers: ClinVar variation 3413454 (VCV003413454.1).
Genomic context (GRCh38, chr16:23,630,281, plus strand): 5'-CTCCAAACATTTTTGACTCAAAGGGCTCCACTGGTTTTTCTGAGCAGGACTTCACTTTTT[C>A]AAGCTTAAGAGGTCCAAAGTCTTCATCAGGTAACTGAAAGTCTGTGATACTGAGAAAAGA-3'